The following is an entry in ClinVar:

NM_007294.4(BRCA1):c.3034A>G (p.Arg1012Gly)

Gene: BRCA1 (BRCA1 DNA repair associated; minus strand). Cytogenetic location: 17q21.31.
Variant type: single nucleotide variant.
Coding change: c.3034A>G on transcript NM_007294.4 (MANE Select); coding-DNA position 3034, A replaced by G.
Protein change: p.Arg1012Gly; replaces arginine 1012 with glycine.
Molecular consequence: missense variant. On other transcripts: intron variant (137).
Genome position (GRCh38, 1-based): chr17:43,092,497, T>C on the plus strand (A>G on the coding strand, the complement: BRCA1 is on the minus strand). VCF-style: chr17-43092497-T-C. GRCh37 (hg19) VCF-style: chr17-41244514-T-C.
Other names: c.2911A>G, p.Arg971Gly (NM_001407668.1, NM_001407669.1, NM_001407675.1 and 19 more transcripts); c.2908A>G, p.Arg970Gly (NM_001407671.1, NM_001407672.1, NM_001407673.1 and 11 more transcripts); c.2821A>G, p.Arg941Gly (NM_001407571.1, NM_001407853.1, NM_001407894.1 and 9 more transcripts); c.3034A>G, p.Arg1012Gly (NM_001407581.1, NM_001407582.1, NM_001407583.1 and 30 more transcripts); c.3031A>G, p.Arg1011Gly (NM_001407587.1, NM_001407590.1, NM_001407591.1 and 22 more transcripts); c.3025A>G, p.Arg1009Gly (NM_001407646.1, NM_001407647.1); c.2956A>G, p.Arg986Gly (NM_001407653.1, NM_001407654.1, NM_001407655.1 and 4 more transcripts); c.2953A>G, p.Arg985Gly (NM_001407659.1, NM_001407660.1, NM_001407661.1 and 1 more transcripts); and 41 more; short protein forms R1012G, R965G, R901G, R944G, R945G, R986G, R884G, R923G.
Identifiers: ClinVar variation 441441 (VCV000441441.19), dbSNP rs1555588503, ClinGen allele CA10595925.
Genomic context (GRCh38, chr17:43,092,497, plus strand): 5'-TAATGTTATTACGGCTAATTGTGCTCACTGTACTTGGAATGTTCTCATTTCCCATTTCTC[T>C]TTCAGGTGACATTGAATGTTCCTCAAAGTTTTCCTCTAGCAGATTTTTCTTACATTTAGT-3'
Protein context (NP_009225.1, residues 1002-1022): NFEEHSMSPE[Arg1012Gly]EMGNENIPST

ClinVar aggregate classification (germline): Conflicting classifications of pathogenicity. Review status: criteria provided, conflicting classifications (1 of 4 stars). 3 submissions from 3 submitters: Uncertain significance (2); Likely benign (1). Last evaluated 2025-03-23.

Conditions:
Hereditary cancer-predisposing syndrome. Also called: Hereditary Cancer Syndrome; Hereditary neoplastic syndrome; Neoplastic Syndromes, Hereditary; Tumor predisposition. Identifiers: Orphanet 140162, MedGen C0027672, MeSH D009386, MONDO:0015356.
Hereditary breast ovarian cancer syndrome. Also called: Hereditary breast and ovarian cancer; Breast and ovarian cancer; Hereditary breast and ovarian cancer syndrome; Hereditary breast and/or ovarian cancer syndrome; BRCA1- and BRCA2-Associated Hereditary Breast and Ovarian Cancer; Hereditary breast and ovarian cancer syndrome (HBOC). Identifiers: Orphanet 145, MedGen C0677776, MeSH D061325, MONDO:0003582. Disease mechanism: loss of function.

Allele frequency attached by ClinVar (database versions not stated): gnomAD exomes below 0.00001; gnomAD 0.00001.
gnomAD v4.1: 2 of 1,613,956 alleles (0.00012%); highest among the groups gnomAD compares: African/African-American, 0.0027%; no homozygotes.

Submissions (3):

Ambry Genetics
Classification: Uncertain significance for Hereditary cancer-predisposing syndrome. Last evaluated: 2025-03-23. Review status: criteria provided, single submitter. Criteria: Ambry Variant Classification Scheme 2023. Collection method: clinical testing. Allele origin: germline.
Comment: The p.R1012G variant (also known as c.3034A>G), located in coding exon 9 of the BRCA1 gene, results from an A to G substitution at nucleotide position 3034. The arginine at codon 1012 is replaced by glycine, an amino acid with dissimilar properties. This alteration was identified in a cohort of 230 high-risk Chinese breast cancer patients (Su Y et al. Front Genet, 2021 Nov;12:674094). This amino acid position is not well conserved in available vertebrate species. In addition, the in silico prediction for this alteration is inconclusive. Since supporting evidence is limited at this time, the clinical significance of this alteration remains unclear.

Labcorp Genetics (formerly Invitae), Labcorp
Classification: Uncertain significance for Hereditary breast ovarian cancer syndrome. Last evaluated: 2024-07-11. Review status: criteria provided, single submitter. Criteria: Invitae Variant Classification Sherloc (09022015). Collection method: clinical testing. Allele origin: germline.
Comment: This sequence change replaces arginine, which is basic and polar, with glycine, which is neutral and non-polar, at codon 1012 of the BRCA1 protein (p.Arg1012Gly). This variant is not present in population databases (gnomAD no frequency). This variant has not been reported in the literature in individuals affected with BRCA1-related conditions. ClinVar contains an entry for this variant (Variation ID: 441441). Advanced modeling of protein sequence and biophysical properties (such as structural, functional, and spatial information, amino acid conservation, physicochemical variation, residue mobility, and thermodynamic stability) performed at Invitae indicates that this missense variant is not expected to disrupt BRCA1 protein function with a negative predictive value of 95%. In summary, the available evidence is currently insufficient to determine the role of this variant in disease. Therefore, it has been classified as a Variant of Uncertain Significance.

University of Washington Department of Laboratory Medicine, University of Washington
Classification: Likely benign for Hereditary cancer-predisposing syndrome. Last evaluated: 2023-03-23. Review status: criteria provided, single submitter. Criteria: Dines et al. (Genet Med. 2020). Collection method: curation. Allele origin: germline.
Comment: Missense variant in a coldspot region where missense variants are very unlikely to be pathogenic (PMID:31911673).

BRCA1 coldspot (exon 11 using historical exon numbering). Reclassification based on statistical prior probability

Literature cited by the submitters: PubMed 34917121 (cited by Ambry Genetics).